The following is an entry in ClinVar:

ClinVar aggregate classification (germline): Uncertain significance (0 of 4 stars; one submission).

Conditions:
CTTNBP2-related disorder. Also called: CTTNBP2-related condition.

Allele frequency attached by ClinVar (database versions not stated): gnomAD exomes below 0.00001; TOPMed 0.00001.
gnomAD v4.1: 2 of 1,614,206 alleles (0.00012%); highest among the groups gnomAD compares: Admixed American, 0.0017%; no homozygotes.

Submission:

PreventionGenetics, part of Exact Sciences
Classification: Uncertain significance for CTTNBP2-related condition. Last evaluated: 2023-12-15. Review status: no assertion criteria provided. Collection method: clinical testing. Allele origin: germline.
Comment: The CTTNBP2 c.1307C>T variant is predicted to result in the amino acid substitution p.Ser436Phe. To our knowledge, this variant has not been reported in the literature or in a large population database, indicating this variant is rare. At this time, the clinical significance of this variant is uncertain due to the absence of conclusive functional and genetic evidence.

NM_033427.3(CTTNBP2):c.1307C>T (p.Ser436Phe)

Gene: CTTNBP2 (cortactin binding protein 2; minus strand). Cytogenetic location: 7q31.31.
Variant type: single nucleotide variant.
Coding change: c.1307C>T on transcript NM_033427.3 (MANE Select); coding-DNA position 1307, C replaced by T.
Protein change: p.Ser436Phe; replaces serine 436 with phenylalanine.
Molecular consequence: missense variant. On other transcripts: 5 prime UTR variant (2).
Genome position (GRCh38, 1-based): chr7:117,791,889, G>A on the plus strand (C>T on the coding strand, the complement: CTTNBP2 is on the minus strand). VCF-style: chr7-117791889-G-A. GRCh37 (hg19) VCF-style: chr7-117431943-G-A.
Other names: c.1253C>T, p.Ser418Phe (NM_001363349.1); c.-628C>T (NM_001363350.1, NM_001363351.1); short protein forms S418F, S436F.
Identifiers: ClinVar variation 3061729 (VCV003061729.2), dbSNP rs1266724644, ClinGen allele CA368995453.
Genomic context (GRCh38, chr7:117,791,889, plus strand): 5'-GCATTGCCCTGAAATCTAAATCTAGCTGCTTGGATTCGTGGGTTTAGACCTGGATGCAAA[G>A]AGGTGTTGGCACATGGTGAATGTAAACTGTGCATAGGTGGAGCTTGCGAGTTCTGAGGAG-3'
Protein context (NP_219499.1, residues 426-446): HSLHSPCANT[Ser436Phe]LHPGLNPRIQ